The following is an entry in ClinVar:

NM_001165963.4(SCN1A):c.5299G>T (p.Val1767Phe)

Genes: SCN1A (sodium voltage-gated channel alpha subunit 1; minus strand), LOC102724058 (uncharacterized LOC102724058; plus strand). Cytogenetic location: 2q24.3.
Variant type: single nucleotide variant.
Coding change: c.5299G>T on transcript NM_001165963.4 (MANE Select); coding-DNA position 5299, G replaced by T.
Protein change: p.Val1767Phe; replaces valine 1767 with phenylalanine.
Molecular consequence: missense variant. On other transcripts: non-coding transcript variant (1).
Genome position (GRCh38, 1-based): chr2:165,991,976, C>A on the plus strand (G>T on the coding strand, the complement: SCN1A is on the minus strand). VCF-style: chr2-165991976-C-A. GRCh37 (hg19) VCF-style: chr2-166848486-C-A.
Other names: c.5215G>T, p.Val1739Phe (NM_001165964.3, NM_001353957.2, NM_001353958.2); c.5299G>T, p.Val1767Phe (NM_001202435.3, NM_001353948.2); c.5266G>T, p.Val1756Phe (NM_001353949.2, NM_001353950.2, NM_001353951.2 and 2 more transcripts); c.5263G>T, p.Val1755Phe (NM_001353954.2, NM_001353955.2); c.5212G>T, p.Val1738Phe (NM_001353960.2); c.2857G>T, p.Val953Phe (NM_001353961.2); short protein forms V1738F, V1739F, V1755F, V1756F, V1767F, V953F.
Identifiers: ClinVar variation 2430160 (VCV002430160.2), dbSNP rs2468334088, ClinGen allele CA349068225.

ClinVar aggregate classification (germline): Likely pathogenic (1 of 4 stars; one submission).

Conditions:
Developmental and epileptic encephalopathy 6B. Also called: Developmental and epileptic encephalopathy 6B, non-Dravet. Identifiers: MedGen C5543353, MONDO:0030268, OMIM 619317.

Submission:

Lifecell International Pvt. Ltd
Classification: Likely pathogenic for Developmental and epileptic encephalopathy 6B. Review status: criteria provided, single submitter. Criteria: ACMG Guidelines, 2015. Collection method: clinical testing. Allele origin: germline. Inheritance: Autosomal dominant inheritance. Affected: yes.
Comment: The missense variant NM_001165963.4(SCN1A):c.5299G>T (p.Val1767Phe) has not been reported previously as a pathogenic variant nor as a benign variant, to our knowledge. The p.Val1767Phe variant is novel (not in any individuals) in gnomAD. The p.Val1767Phe variant is novel (not in any individuals) in 1kG. There is a small physicochemical difference between valine and phenylalanine, which is not likely to impact secondary protein structure as these residues share similar properties. The gene SCN1A has a low rate of benign missense variation as indicated by a high missense variants Z-Score of 5.22. Missense Variants Z-Score is produced by the Exome Aggregation Consortium (60,706 adult humans) by computing a signed Z score for the deviation of observed counts from the expected number. Positive Z scores indicate increased constraint (intolerance to variation) and therefore that the gene had fewer missense variants than expected. (DOI: 10.1038/nature19057). Missense Badness and MPC scores of this variant is 0.65 and 2.05 respectively. The Missense Badness Score is the normalized fold difference of missense substitutions between observed and expected variants from ExAC dataset. This score is then combined with orthogonal deleteriousness metrics into one score called MPC (for Missense badness, PolyPhen-2, and Constraint) designed to classify whether a missense variants is deleterious. Variants with MPC ≥ 2 have a rate nearly 6 times higher in cases than in controls. While those with intermediate MPC values (1 ≤ MPC < 2) have a more modest excess in cases. The gene SCN1A contains 536 pathogenic missense variants, indicating that missense variants are a common mechanism of disease in this gene. 10 variants within 6 amino acid positions of the variant p.Val1767Phe have been shown to be pathogenic, while none have been shown to be benign. The p.Val1767Phe missense variant is predicted to be damaging by both SIFT and PolyPhen2. The valine residue at codon 1767 of SCN1A is conserved in all mammalian species. The nucleotide c.5299 in SCN1A is predicted conserved by GERP++ and PhyloP across 100 vertebrates. The observed variant is lies in the Ion transport domain of the SCN1A_HUMAN protein. This variant is present in the mutation hotspot with 3 missense variants (p.Phe1764Tyr, p.Phe1765Cys, p.Phe1765Leu) and 4 frameshift mutations (p.Val1767SerfsTer12, p.Phe1764LeufsTer18, p.Phe1765CysfsTer28, p.Phe1766CysfsTer28) reported in ClinVar database. For these reasons, this variant has been classified as Likely Pathogenic.